The following is an entry in ClinVar:

ClinVar aggregate classification (germline): Uncertain significance (1 of 4 stars; one submission).

Conditions:
Myasthenic syndrome, congenital, 22 (CMS22). Also called: PREPL DEFICIENCY. Identifiers: MedGen C4479088, MONDO:0044299, OMIM 616224.

Submission:

Labcorp Genetics (formerly Invitae), Labcorp
Classification: Uncertain significance for Myasthenic syndrome, congenital, 22. Last evaluated: 2022-07-26. Review status: criteria provided, single submitter. Criteria: Invitae Variant Classification Sherloc (09022015). Collection method: clinical testing. Allele origin: germline.
Comment: In summary, the available evidence is currently insufficient to determine the role of this variant in disease. Therefore, it has been classified as a Variant of Uncertain Significance. Algorithms developed to predict the effect of missense changes on protein structure and function are either unavailable or do not agree on the potential impact of this missense change (SIFT: "Tolerated"; PolyPhen-2: "Probably Damaging"; Align-GVGD: "Class C0"). ClinVar contains an entry for this variant (Variation ID: 1498486). This variant has not been reported in the literature in individuals affected with PREPL-related conditions. This variant is not present in population databases (gnomAD no frequency). This sequence change replaces aspartic acid, which is acidic and polar, with glycine, which is neutral and non-polar, at codon 594 of the PREPL protein (p.Asp594Gly).

NM_001171613.2(PREPL):c.1514A>G (p.Asp505Gly)

Gene: PREPL (prolyl endopeptidase like; minus strand). Cytogenetic location: 2p21.
Variant type: single nucleotide variant.
Coding change: c.1514A>G on transcript NM_001171613.2 (MANE Select); coding-DNA position 1514, A replaced by G.
Protein change: p.Asp505Gly; replaces aspartic acid 505 with glycine.
Molecular consequence: missense variant.
Genome position (GRCh38, 1-based): chr2:44,323,377, T>C on the plus strand (A>G on the coding strand, the complement: PREPL is on the minus strand). VCF-style: chr2-44323377-T-C. GRCh37 (hg19) VCF-style: chr2-44550516-T-C.
Other names: c.1595A>G, p.Asp532Gly (NM_001042385.2); c.1583A>G, p.Asp528Gly (NM_001042386.2); c.1781A>G, p.Asp594Gly (NM_001171603.1, NM_001171606.2, NM_001374275.1 and 2 more transcripts); c.1514A>G, p.Asp505Gly (NM_001171617.1, NM_001374277.1); short protein forms D505G, D528G, D532G, D594G.
Identifiers: ClinVar variation 1498486 (VCV001498486.8), dbSNP rs772992697, ClinGen allele CA346688926.
Genomic context (GRCh38, chr2:44,323,377, plus strand): 5'-TCATCAGATGAAGGATTCCCCCATTCTTCTAATTCTTCTAATGTCAGAGGAAGTGTAGTG[T>C]CCATCATGGTGTTGAGAACATCCAAGAAAGGTGCCTAAAAAAAAGGCAAAGAAACTTATA-3'
Protein context (NP_001165084.1, residues 495-515): PFLDVLNTMM[Asp505Gly]TTLPLTLEEL